The following is an entry in ClinVar:

NM_000097.7(CPOX):c.946A>T (p.Lys316Ter)

Gene: CPOX (coproporphyrinogen oxidase; minus strand). Cytogenetic location: 3q11.2.
Variant type: single nucleotide variant.
Coding change: c.946A>T on transcript NM_000097.7 (MANE Select); coding-DNA position 946, A replaced by T.
Protein change: p.Lys316Ter; replaces lysine 316 with a stop codon.
Molecular consequence: nonsense.
Genome position (GRCh38, 1-based): chr3:98,588,720, T>A on the plus strand (A>T on the coding strand, the complement: CPOX is on the minus strand). VCF-style: chr3-98588720-T-A. GRCh37 (hg19) VCF-style: chr3-98307564-T-A.
Other names: short protein forms K316*.
Identifiers: ClinVar variation 1709963 (VCV001709963.2), dbSNP rs2472111058, ClinGen allele CA353645303.
Genomic context (GRCh38, chr3:98,588,720, plus strand): 5'-AGAAGGAACAGAATGTAATTTTGGGGTCATGAAAGTTCAGTAACTTTACCTACCATTTTT[T>A]AAATTTGGGGTAGAGATCTGGACCATGCTGGTCACAAGCCTCCTTCAGAGTTCTGTGAAA-3'

ClinVar aggregate classification (germline): Likely pathogenic (1 of 4 stars; one submission).

Conditions:
Hereditary coproporphyria (HCP). Also called: COPROPORPHYRINOGEN OXIDASE DEFICIENCY; CPO DEFICIENCY; CPOX DEFICIENCY; CPX DEFICIENCY; Hereditary coproporphyria porphyria; Porphyria hepatica coproporphyria. Identifiers: Orphanet 79273, MedGen C0162531, MONDO:0007369, OMIM 121300.

Submission:

MGZ Medical Genetics Center
Classification: Likely pathogenic for Hereditary coproporphyria. Last evaluated: 2021-09-28. Review status: criteria provided, single submitter. Criteria: ACMG Guidelines, 2015. Collection method: clinical testing. Allele origin: germline. Affected: yes. Observed: 1 variant allele.
Comment: ACMG criteria applied: PVS1, PM2_SUP